The following is an entry in ClinVar:

ClinVar aggregate classification (germline): Benign/Likely benign. Review status: criteria provided, multiple submitters, no conflicts (2 of 4 stars). 2 submissions from 2 submitters: Benign (1); Likely benign (1). Last evaluated 2025-05-31.

Conditions:
Familial adenomatous polyposis 1 (FAP1). Also called: POLYPOSIS, ADENOMATOUS INTESTINAL; FAMILIAL ADENOMATOUS POLYPOSIS 1, ATTENUATED. Identifiers: MedGen C2713442, MONDO:0021056, OMIM 175100. Disease mechanism: loss of function.
Hereditary cancer-predisposing syndrome. Also called: Neoplastic Syndromes, Hereditary; Tumor predisposition; Hereditary neoplastic syndrome; Hereditary Cancer Syndrome. Identifiers: Orphanet 140162, MedGen C0027672, MeSH D009386, MONDO:0015356.

Submissions (2):

Ambry Genetics
Classification: Likely benign for Hereditary cancer-predisposing syndrome. Last evaluated: 2025-05-31. Review status: criteria provided, single submitter. Criteria: Ambry Variant Classification Scheme 2023. Collection method: clinical testing. Allele origin: germline.

Myriad Genetics, Inc.
Classification: Benign for Familial adenomatous polyposis 1. Last evaluated: 2024-03-18. Review status: criteria provided, single submitter. Criteria: Myriad Autosomal Dominant, Autosomal Recessive and X-Linked Classification Criteria (2023). Collection method: clinical testing. Allele origin: unknown.
Comment: This variant is considered benign. This variant is a silent/synonymous amino acid change and it is not expected to impact splicing.

NM_000038.6(APC):c.3078T>C (p.Asn1026=)

Gene: APC (APC regulator of Wnt signaling pathway; plus strand). Cytogenetic location: 5q22.2.
Variant type: single nucleotide variant.
Coding change: c.3078T>C on transcript NM_000038.6 (MANE Select); coding-DNA position 3078, T replaced by C.
Protein change: p.Asn1026=; no amino-acid change (asparagine 1026 retained).
Molecular consequence: synonymous variant. On other transcripts: non-coding transcript variant (2).
Genome position (GRCh38, 1-based): chr5:112,838,672, T>C. VCF-style: chr5-112838672-T-C. GRCh37 (hg19) VCF-style: chr5-112174369-T-C.
Other names: c.3078T>C, p.Asn1026= (NM_001127510.3, NM_001354895.2, NM_001407450.1); c.3024T>C, p.Asn1008= (NM_001127511.3); c.3132T>C, p.Asn1044= (NM_001354896.2, NM_001407447.1, NM_001407448.1 and 1 more transcripts); c.3108T>C, p.Asn1036= (NM_001354897.2); c.3003T>C, p.Asn1001= (NM_001354898.2); c.2994T>C, p.Asn998= (NM_001354899.2); c.2955T>C, p.Asn985= (NM_001354900.2); c.2901T>C, p.Asn967= (NM_001354901.2, NM_001407453.1); and 12 more.
Identifiers: ClinVar variation 3148207 (VCV003148207.2), dbSNP rs2149883840, ClinGen allele CA445963164.